The following is an entry in ClinVar:

ClinVar aggregate classification (germline): Uncertain significance (1 of 4 stars; one submission).

gnomAD v4.1: 2 of 1,613,852 alleles (0.00012%); highest among the groups gnomAD compares: African/African-American, 0.0027%; no homozygotes.

Submission:

Ambry Genetics
Classification: Uncertain significance. Last evaluated: 2025-06-08. Review status: criteria provided, single submitter. Criteria: Ambry Variant Classification Scheme 2023. Collection method: clinical testing. Allele origin: germline.
Comment: The p.Q818E variant (also known as c.2452C>G), located in coding exon 13 of the GEN1 gene, results from a C to G substitution at nucleotide position 2452. The glutamine at codon 818 is replaced by glutamic acid, an amino acid with highly similar properties. This amino acid position is conserved. In addition, this alteration is predicted to be tolerated by in silico analysis. Based on the available evidence, the clinical significance of this variant remains unclear.

NM_001130009.3(GEN1):c.2452C>G (p.Gln818Glu)

Gene: GEN1 (GEN1 Holliday junction 5' flap endonuclease; plus strand). Cytogenetic location: 2p24.2.
Variant type: single nucleotide variant.
Coding change: c.2452C>G on transcript NM_001130009.3 (MANE Select); coding-DNA position 2452, C replaced by G.
Protein change: p.Gln818Glu; replaces glutamine 818 with glutamic acid.
Molecular consequence: missense variant.
Genome position (GRCh38, 1-based): chr2:17,781,664, C>G. VCF-style: chr2-17781664-C-G. GRCh37 (hg19) VCF-style: chr2-17962931-C-G.
Other names: c.2452C>G, p.Gln818Glu (NM_182625.5); short protein forms Q818E.
Identifiers: ClinVar variation 4029334 (VCV004029334.1).
Genomic context (GRCh38, chr2:17,781,664, plus strand): 5'-GACAGACATTCCTCTGATGAACAAAGTGCCCCAGTGTTTGGGAAAGCTAAGTACACAACT[C>G]AAAGAATGAAGCACAGTTCTCAAAAGCATAATTCATCCCATTTCAAAGAAAGTGGCCATA-3'
Protein context (NP_001123481.3, residues 808-828): PVFGKAKYTT[Gln818Glu]RMKHSSQKHN